The following is an entry in ClinVar:

NM_001243133.2(NLRP3):c.1920C>T (p.Phe640=)

Gene: NLRP3 (NLR family pyrin domain containing 3; plus strand). Cytogenetic location: 1q44.
Variant type: single nucleotide variant.
Coding change: c.1920C>T on transcript NM_001243133.2 (MANE Select); coding-DNA position 1920, C replaced by T.
Protein change: p.Phe640=; no amino-acid change (phenylalanine 640 retained).
Molecular consequence: synonymous variant.
Genome position (GRCh38, 1-based): chr1:247,425,369, C>T. VCF-style: chr1-247425369-C-T. GRCh37 (hg19) VCF-style: chr1-247588671-C-T.
Other names: p.F642F:TTC>TTT; c.1920C>T, p.Phe640= (NM_001079821.3, NM_001127461.3, NM_001127462.3 and 1 more transcripts); c.1926C>T, p.Phe642= (NM_004895.5).
Identifiers: ClinVar variation 138533 (VCV000138533.86), dbSNP rs34698071, ClinGen allele CA292570.

ClinVar aggregate classification (germline): Benign/Likely benign. Review status: criteria provided, multiple submitters, no conflicts (2 of 4 stars). 11 submissions from 9 submitters: Benign (7); Likely benign (3). 1 of the submissions does not count toward it. Last evaluated 2026-01-22.

Conditions:
NLRP3-related disorder. Also called: NLRP3-Related Disorders; NLRP3-related condition.
Cryopyrin associated periodic syndrome (CAPS). Identifiers: Orphanet 208650, MedGen C2316212, MONDO:0016168.
Familial cold autoinflammatory syndrome 1 (FCAS1). Also called: Familial cold inflammatory syndrome 1; CRYOPYRIN-ASSOCIATED PERIODIC SYNDROME 1. Identifiers: Orphanet 47045, MedGen C4551895, MONDO:0007349, OMIM 120100.
Familial amyloid nephropathy with urticaria AND deafness (MWS). Also called: MUCKLE-WELLS SYNDROME; CRYOPYRIN-ASSOCIATED PERIODIC SYNDROME 2; UDA SYNDROME; URTICARIA-DEAFNESS-AMYLOIDOSIS SYNDROME; Urticaria, deafness and amyloidosis. Identifiers: Orphanet 575, MedGen C0268390, MONDO:0008633, OMIM 191900.
Chronic infantile neurological, cutaneous and articular syndrome (CINCA). Also called: Prieur Griscelli syndrome; CRYOPYRIN-ASSOCIATED PERIODIC SYNDROME 3; CHRONIC NEUROLOGIC CUTANEOUS AND ARTICULAR SYNDROME; CINCA syndrome. Identifiers: Orphanet 1451, MedGen C0409818, MONDO:0011776, OMIM 607115.

Allele frequency attached by ClinVar (database versions not stated): gnomAD exomes 0.00061; ExAC 0.00072; 1000 Genomes Project 0.00200; gnomAD 0.00212 and 0.00230; 1000 Genomes Project 30x 0.00219; TOPMed 0.00235; ESP Exome Variant Server 0.00292.
gnomAD v4.1: 737 of 1,614,172 alleles (0.046%); highest among the groups gnomAD compares: African/African-American, 0.77%; 3 homozygotes.

Submissions (11):

Labcorp Genetics (formerly Invitae), Labcorp
Classification: Benign for Cryopyrin associated periodic syndrome. Last evaluated: 2026-01-22. Review status: criteria provided, single submitter. Criteria: Invitae Variant Classification Sherloc (09022015). Collection method: clinical testing. Allele origin: germline.

Women's Health and Genetics/Laboratory Corporation of America, LabCorp
Classification: Benign. Last evaluated: 2025-11-25. Review status: criteria provided, single submitter. Criteria: LabCorp Variant Classification Summary - May 2015. Collection method: clinical testing. Allele origin: germline.

Blueprint Genetics
Classification: Likely benign. Last evaluated: 2024-08-06. Review status: criteria provided, single submitter. Criteria: ACMG Guidelines, 2015. Collection method: clinical testing. Allele origin: germline.

CeGaT Center for Human Genetics Tuebingen
Classification: Likely benign. Last evaluated: 2023-12-01. Review status: criteria provided, single submitter. Criteria: CeGaT Center For Human Genetics Tuebingen Variant Classification Criteria Version 2. Collection method: clinical testing. Allele origin: germline. Affected: yes. Observed: 1 variant allele.
Comment: NLRP3: BP4, BP7, BS1

ARUP Laboratories, Molecular Genetics and Genomics, ARUP Laboratories
Classification: Likely benign. Last evaluated: 2021-09-18. Review status: criteria provided, single submitter. Criteria: ARUP Molecular Germline Variant Investigation Process 2021. Collection method: clinical testing. Allele origin: germline.

Illumina Laboratory Services, Illumina
Classification: Benign for Familial amyloid nephropathy with urticaria AND deafness. Last evaluated: 2018-01-13. Review status: criteria provided, single submitter. Criteria: ICSL Variant Classification Criteria 13 December 2019. Collection method: clinical testing. Allele origin: germline.
Comment: This variant was observed in the ICSL laboratory as part of a predisposition screen in an ostensibly healthy population. It had not been previously curated by ICSL or reported in the Human Gene Mutation Database (HGMD: prior to June 1st, 2018), and was therefore a candidate for classification through an automated scoring system. Utilizing variant allele frequency, disease prevalence and penetrance estimates, and inheritance mode, an automated score was calculated to assess if this variant is too frequent to cause the disease. Based on the score and internal cut-off values, a variant classified as benign is not then subjected to further curation. The score for this variant resulted in a classification of benign for this disease.

Illumina Laboratory Services, Illumina
Classification: Benign for Familial cold autoinflammatory syndrome 1. Last evaluated: 2018-01-13. Review status: criteria provided, single submitter. Criteria: ICSL Variant Classification Criteria 13 December 2019. Collection method: clinical testing. Allele origin: germline.
Comment: the same text as in the submission from Illumina Laboratory Services, Illumina above.

Illumina Laboratory Services, Illumina
Classification: Benign for Chronic infantile neurological, cutaneous and articular syndrome. Last evaluated: 2018-01-13. Review status: criteria provided, single submitter. Criteria: ICSL Variant Classification Criteria 13 December 2019. Collection method: clinical testing. Allele origin: germline.
Comment: the same text as in the submission from Illumina Laboratory Services, Illumina above.

Laboratory for Molecular Medicine, Mass General Brigham Personalized Medicine
Classification: Benign. Last evaluated: 2017-08-23. Review status: criteria provided, single submitter. Criteria: LMM Criteria. Collection method: clinical testing. Allele origin: germline. Observed: 2 variant alleles.
Comment: p.Phe642Phe in exon 5 of NLRP3: This variant is not expected to have clinical si gnificance because it does not alter an amino acid residue, is not located withi n the splice consensus sequence, and has been identified in 0.77% (80/10404) of African chromosomes by the Exome Aggregation Consortium (ExAC; dbSNP rs34698071).

GeneDx
Classification: Benign. Last evaluated: 2013-01-17. Review status: criteria provided, single submitter. Criteria: GeneDx Variant Classification (06012015). Collection method: clinical testing. Allele origin: germline. Affected: yes.
Comment: This variant is considered likely benign or benign based on one or more of the following criteria: it is a conservative change, it occurs at a poorly conserved position in the protein, it is predicted to be benign by multiple in silico algorithms, and/or has population frequency not consistent with disease.

PreventionGenetics, part of Exact Sciences
Classification: Benign for NLRP3-related condition. Last evaluated: 2022-05-04. Review status: no assertion criteria provided. Collection method: clinical testing. Allele origin: germline. Not counted in ClinVar's aggregate classification.
Comment: This variant is classified as benign based on ACMG/AMP sequence variant interpretation guidelines (Richards et al. 2015 PMID: 25741868, with internal and published modifications).